The following is an entry in ClinVar:

NM_002087.4(GRN):c.1193C>T (p.Ser398Leu)

Gene: GRN (granulin precursor; plus strand). Cytogenetic location: 17q21.31.
Variant type: single nucleotide variant.
Coding change: c.1193C>T on transcript NM_002087.4 (MANE Select); coding-DNA position 1193, C replaced by T.
Protein change: p.Ser398Leu; replaces serine 398 with leucine.
Molecular consequence: missense variant.
Genome position (GRCh38, 1-based): chr17:44,352,028, C>T. VCF-style: chr17-44352028-C-T. GRCh37 (hg19) VCF-style: chr17-42429396-C-T.
Other names: short protein forms S398L.
Identifiers: ClinVar variation 935719 (VCV000935719.37), dbSNP rs148213321, ClinGen allele CA8602141.
Genomic context (GRCh38, chr17:44,352,028, plus strand): 5'-CCCCACATAGTGGCTACCTACAACGCCCTTTCCTGCCCACCCCCCAGGCTGTCTGCTGCT[C>T]GGACCACCAGCACTGCTGCCCCCAGGGCTACACGTGTGTAGCTGAGGGGCAGTGTCAGCG-3'
Protein context (NP_002078.1, residues 388-408): CCPIPEAVCC[Ser398Leu]DHQHCCPQGY

ClinVar aggregate classification (germline): Uncertain significance. Review status: criteria provided, multiple submitters, no conflicts (2 of 4 stars). 6 submissions from 6 submitters: Uncertain significance (6). Last evaluated 2025-09-08.

Conditions:
GRN-related frontotemporal lobar degeneration with Tdp43 inclusions (FTD2). Also called: GRN Frontotemporal Dementia; FRONTOTEMPORAL DEMENTIA WITH TDP43 INCLUSIONS, GRN-RELATED; DEMENTIA, HEREDITARY DYSPHASIC DISINHIBITION; FRONTOTEMPORAL LOBAR DEGENERATION WITH UBIQUITIN-POSITIVE INCLUSIONS; FTLD-TDP, GRN-RELATED. Identifiers: Orphanet 100070, Orphanet 282, MedGen C1843792, MONDO:0011842, OMIM 607485. Disease mechanism: loss of function.
Neuronal ceroid lipofuscinosis 11. Also called: GRN-Related Neuronal Ceroid-Lipofuscinosis. Identifiers: Orphanet 314629, Orphanet 79262, MedGen C3539123, MONDO:0013866, OMIM 614706.
Inborn genetic diseases. Identifiers: MedGen C0950123, MeSH D030342.

Allele frequency attached by ClinVar (database versions not stated): gnomAD 0.00004; TOPMed 0.00005; gnomAD exomes 0.00007; ExAC 0.00008; ESP Exome Variant Server 0.00008.

Submissions (6):

Labcorp Genetics (formerly Invitae), Labcorp
Classification: Uncertain significance for Neuronal ceroid lipofuscinosis 11; GRN-related frontotemporal lobar degeneration with Tdp43 inclusions. Last evaluated: 2025-09-08. Review status: criteria provided, single submitter. Criteria: Invitae Variant Classification Sherloc (09022015). Collection method: clinical testing. Allele origin: germline.
Comment: This sequence change replaces serine, which is neutral and polar, with leucine, which is neutral and non-polar, at codon 398 of the GRN protein (p.Ser398Leu). This variant is present in population databases (rs148213321, gnomAD 0.02%). This missense change has been observed in individual(s) with frontotemporal dementia (PMID: 27632209). ClinVar contains an entry for this variant (Variation ID: 935719). Invitae Evidence Modeling of protein sequence and biophysical properties (such as structural, functional, and spatial information, amino acid conservation, physicochemical variation, residue mobility, and thermodynamic stability) indicates that this missense variant is not expected to disrupt GRN protein function with a negative predictive value of 80%. In summary, the available evidence is currently insufficient to determine the role of this variant in disease. Therefore, it has been classified as a Variant of Uncertain Significance.

Athena Diagnostics
Classification: Uncertain significance. Last evaluated: 2024-08-26. Review status: criteria provided, single submitter. Criteria: Athena Diagnostics Criteria. Collection method: clinical testing. Allele origin: unknown.

Blueprint Genetics
Classification: Uncertain significance. Last evaluated: 2024-07-29. Review status: criteria provided, single submitter. Criteria: ACMG Guidelines, 2015. Collection method: clinical testing. Allele origin: germline.

CeGaT Center for Human Genetics Tuebingen
Classification: Uncertain significance. Last evaluated: 2023-01-01. Review status: criteria provided, single submitter. Criteria: CeGaT Center For Human Genetics Tuebingen Variant Classification Criteria Version 2. Collection method: clinical testing. Allele origin: germline. Affected: yes. Observed: 1 variant allele.
Comment: GRN: PM2, BP4

Ambry Genetics
Classification: Uncertain significance for Inborn genetic diseases. Last evaluated: 2020-04-21. Review status: criteria provided, single submitter. Criteria: Ambry Variant Classification Scheme 2023. Collection method: clinical testing. Allele origin: germline.
Comment: The p.S398L variant (also known as c.1193C>T), located in coding exon 10 of the GRN gene, results from a C to T substitution at nucleotide position 1193. The serine at codon 398 is replaced by leucine, an amino acid with dissimilar properties. This amino acid position is poorly conserved in available vertebrate species. In addition, this alteration is predicted to be tolerated by in silico analysis. Since supporting evidence is limited at this time, the clinical significance of this alteration remains unclear.

Breakthrough Genomics
Classification: Uncertain significance. Review status: criteria provided, single submitter. Criteria: ACMG Guidelines, 2015. Collection method: not provided. Allele origin: germline. Inheritance: Autosomal recessive inheritance. Affected: yes.

Literature cited by the submitters: PubMed 27632209 (cited by Labcorp Genetics (formerly Invitae), Labcorp and Athena Diagnostics); PubMed 32507413 (cited by Athena Diagnostics); PubMed 20020531 (cited by Athena Diagnostics).